The following is an entry in ClinVar:

NM_052844.4(DYNC2I2):c.1174G>A (p.Gly392Ser)

Genes: DYNC2I2 (dynein 2 intermediate chain 2; minus strand), LOC126860772 (CDK7 strongly-dependent group 2 enhancer GRCh37_chr9:131396972-131398171; plus strand). Cytogenetic location: 9q34.11.
Variant type: single nucleotide variant.
Coding change: c.1174G>A on transcript NM_052844.4 (MANE Select); coding-DNA position 1174, G replaced by A.
Protein change: p.Gly392Ser; replaces glycine 392 with serine.
Molecular consequence: missense variant.
Genome position (GRCh38, 1-based): chr9:128,634,729, C>T on the plus strand (G>A on the coding strand, the complement: DYNC2I2 is on the minus strand). VCF-style: chr9-128634729-C-T. GRCh37 (hg19) VCF-style: chr9-131397008-C-T.
Other names: short protein forms G392S.
Identifiers: ClinVar variation 1681197 (VCV001681197.7), dbSNP rs140484655, ClinGen allele CA5266318.
Genomic context (GRCh38, chr9:128,634,729, plus strand): 5'-CCCAGGCCTGCCCTACGTACCTGTGGAAGGGGGAACAGCTCACAGAGTAGATGGGACCGC[C>T]GTGGGGGGAGAAGGTAAACTGTGCTGGGGCCCGCAGGGGCACGGAGCTGGGCATCCGCGT-3'
Protein context (NP_443076.2, residues 382-402): APAQFTFSPH[Gly392Ser]GPIYSVSCSP

ClinVar aggregate classification (germline): Uncertain significance. Review status: criteria provided, multiple submitters, no conflicts (2 of 4 stars). 3 submissions from 3 submitters: Uncertain significance (3). Last evaluated 2025-08-27.

Conditions:
Inborn genetic diseases. Identifiers: MedGen C0950123, MeSH D030342.
Short-rib thoracic dysplasia 11 with or without polydactyly (SRTD11). Also called: SHORT-RIB THORACIC DYSPLASIA 11 WITHOUT POLYDACTYLY. Identifiers: Orphanet 474, Orphanet 93271, MedGen C3810200, MONDO:0014287, OMIM 615633.

Allele frequency attached by ClinVar (database versions not stated): gnomAD 0.00001 and 0.00002; gnomAD exomes 0.00003 and 0.00005; TOPMed 0.00003; ExAC 0.00006; ESP Exome Variant Server 0.00008.

Submissions (3):

Ambry Genetics
Classification: Uncertain significance for Inborn genetic diseases. Last evaluated: 2025-08-27. Review status: criteria provided, single submitter. Criteria: Ambry Variant Classification Scheme 2023. Collection method: clinical testing. Allele origin: germline.

Labcorp Genetics (formerly Invitae), Labcorp
Classification: Uncertain significance for Short-rib thoracic dysplasia 11 with or without polydactyly. Last evaluated: 2023-02-03. Review status: criteria provided, single submitter. Criteria: Invitae Variant Classification Sherloc (09022015). Collection method: clinical testing. Allele origin: germline.
Comment: This sequence change replaces glycine, which is neutral and non-polar, with serine, which is neutral and polar, at codon 392 of the WDR34 protein (p.Gly392Ser). This variant is present in population databases (rs140484655, gnomAD 0.01%). This variant has not been reported in the literature in individuals affected with WDR34-related conditions. ClinVar contains an entry for this variant (Variation ID: 1681197). Algorithms developed to predict the effect of missense changes on protein structure and function (SIFT, PolyPhen-2, Align-GVGD) all suggest that this variant is likely to be tolerated. In summary, the available evidence is currently insufficient to determine the role of this variant in disease. Therefore, it has been classified as a Variant of Uncertain Significance.

Fulgent Genetics
Classification: Uncertain significance for Short-rib thoracic dysplasia 11 with or without polydactyly. Last evaluated: 2022-05-10. Review status: criteria provided, single submitter. Criteria: ACMG Guidelines, 2015. Collection method: clinical testing. Allele origin: unknown.